The following is an entry in ClinVar:

ClinVar aggregate classification (germline): Uncertain significance (1 of 4 stars; one submission).

Conditions:
Atrial fibrillation, familial, 7 (ATFB7). Identifiers: MedGen C2677106, MONDO:0012828, OMIM 612240.

Submission:

Labcorp Genetics (formerly Invitae), Labcorp
Classification: Uncertain significance for Atrial fibrillation, familial, 7. Last evaluated: 2026-01-14. Review status: criteria provided, single submitter. Criteria: Invitae Variant Classification Sherloc (09022015). Collection method: clinical testing. Allele origin: germline.
Comment: This sequence change replaces alanine, which is neutral and non-polar, with valine, which is neutral and non-polar, at codon 50 of the KCNA5 protein (p.Ala50Val). This variant is not present in population databases (gnomAD no frequency). This variant has not been reported in the literature in individuals affected with KCNA5-related conditions. An algorithm developed to predict the effect of missense changes on protein structure and function outputs the following: PolyPhen-2: "Benign". The valine amino acid residue is found in multiple mammalian species, which suggests that this missense change does not adversely affect protein function. In summary, the available evidence is currently insufficient to determine the role of this variant in disease. Therefore, it has been classified as a Variant of Uncertain Significance.

NM_002234.4(KCNA5):c.149C>T (p.Ala50Val)

Gene: KCNA5 (potassium voltage-gated channel subfamily A member 5; plus strand). Cytogenetic location: 12p13.32.
Variant type: single nucleotide variant.
Coding change: c.149C>T on transcript NM_002234.4 (MANE Select); coding-DNA position 149, C replaced by T.
Protein change: p.Ala50Val; replaces alanine 50 with valine.
Molecular consequence: missense variant.
Genome position (GRCh38, 1-based): chr12:5,044,296, C>T. VCF-style: chr12-5044296-C-T. GRCh37 (hg19) VCF-style: chr12-5153462-C-T.
Other names: short protein forms A50V.
Identifiers: ClinVar variation 4797265 (VCV004797265.1).